The following is an entry in ClinVar:

ClinVar aggregate classification (germline): Uncertain significance (1 of 4 stars; one submission).

Allele frequency attached by ClinVar (database versions not stated): gnomAD exomes below 0.00001.

Submission:

Labcorp Genetics (formerly Invitae), Labcorp
Classification: Uncertain significance. Last evaluated: 2022-04-12. Review status: criteria provided, single submitter. Criteria: Invitae Variant Classification Sherloc (09022015). Collection method: clinical testing. Allele origin: germline.
Comment: Algorithms developed to predict the effect of missense changes on protein structure and function are either unavailable or do not agree on the potential impact of this missense change (SIFT: "Deleterious"; PolyPhen-2: "Benign"; Align-GVGD: "Class C0"). In summary, the available evidence is currently insufficient to determine the role of this variant in disease. Therefore, it has been classified as a Variant of Uncertain Significance. This variant has not been reported in the literature in individuals affected with GATA5-related conditions. This variant is not present in population databases (gnomAD no frequency). This sequence change replaces serine, which is neutral and polar, with proline, which is neutral and non-polar, at codon 30 of the GATA5 protein (p.Ser30Pro).

NM_080473.5(GATA5):c.88T>C (p.Ser30Pro)

Gene: GATA5 (GATA binding protein 5; minus strand). Cytogenetic location: 20q13.33.
Variant type: single nucleotide variant.
Coding change: c.88T>C on transcript NM_080473.5 (MANE Select); coding-DNA position 88, T replaced by C.
Protein change: p.Ser30Pro; replaces serine 30 with proline.
Molecular consequence: missense variant.
Genome position (GRCh38, 1-based): chr20:62,475,434, A>G on the plus strand (T>C on the coding strand, the complement: GATA5 is on the minus strand). VCF-style: chr20-62475434-A-G. GRCh37 (hg19) VCF-style: chr20-61050490-A-G.
Other names: short protein forms S30P.
Identifiers: ClinVar variation 2122243 (VCV002122243.4), dbSNP rs2516447518, ClinGen allele CA409557908.
Genomic context (GRCh38, chr20:62,475,434, plus strand): 5'-CACACCCGGACAGGTAGGACAGCATCGAGGGGACGCGCGCCGGCGGCACAAACATCGGAG[A>G]GCCGGCGCCCGGAGCGTGCAGGAAGGAGCCCGAGTCGGCGTAGGCGGCCTGGCGGGGGCT-3'
Protein context (NP_536721.1, residues 20-40): GSFLHAPGAG[Ser30Pro]PMFVPPARVP